The following is an entry in ClinVar:

NM_001852.4(COL9A2):c.1075C>T (p.Leu359Phe)

Gene: COL9A2 (collagen type IX alpha 2 chain; minus strand). Cytogenetic location: 1p34.2.
Variant type: single nucleotide variant.
Coding change: c.1075C>T on transcript NM_001852.4 (MANE Select); coding-DNA position 1075, C replaced by T.
Protein change: p.Leu359Phe; replaces leucine 359 with phenylalanine.
Molecular consequence: missense variant.
Genome position (GRCh38, 1-based): chr1:40,305,747, G>A on the plus strand (C>T on the coding strand, the complement: COL9A2 is on the minus strand). VCF-style: chr1-40305747-G-A. GRCh37 (hg19) VCF-style: chr1-40771419-G-A.
Other names: short protein forms L359F.
Identifiers: ClinVar variation 3633533 (VCV003633533.2).

ClinVar aggregate classification (germline): Uncertain significance (1 of 4 stars; one submission).

gnomAD v4.1: 1 of 1,614,126 alleles (0.000062%); highest among the groups gnomAD compares: Non-Finnish European, 0.000085%; no homozygotes.

Submission:

Labcorp Genetics (formerly Invitae), Labcorp
Classification: Uncertain significance. Last evaluated: 2024-08-31. Review status: criteria provided, single submitter. Criteria: Invitae Variant Classification Sherloc (09022015). Collection method: clinical testing. Allele origin: germline.
Comment: This sequence change replaces leucine, which is neutral and non-polar, with phenylalanine, which is neutral and non-polar, at codon 359 of the COL9A2 protein (p.Leu359Phe). This variant is not present in population databases (gnomAD no frequency). This variant has not been reported in the literature in individuals affected with COL9A2-related conditions. Invitae Evidence Modeling of protein sequence and biophysical properties (such as structural, functional, and spatial information, amino acid conservation, physicochemical variation, residue mobility, and thermodynamic stability) indicates that this missense variant is not expected to disrupt COL9A2 protein function with a negative predictive value of 95%. In summary, the available evidence is currently insufficient to determine the role of this variant in disease. Therefore, it has been classified as a Variant of Uncertain Significance.